The following is an entry in ClinVar:

NM_182961.4(SYNE1):c.6231-112C>T

Gene: SYNE1 (spectrin repeat containing nuclear envelope protein 1; minus strand). Cytogenetic location: 6q25.2.
Variant type: single nucleotide variant.
Coding change: c.6231-112C>T on transcript NM_182961.4 (MANE Select); 112 bases into the intron before coding-DNA position 6231, C replaced by T.
Molecular consequence: intron variant.
Genome position (GRCh38, 1-based): chr6:152,409,821, G>A on the plus strand (C>T on the coding strand, the complement: SYNE1 is on the minus strand). VCF-style: chr6-152409821-G-A. GRCh37 (hg19) VCF-style: chr6-152730956-G-A.
Other names: c.6252-112C>T (NM_033071.5).
Identifiers: ClinVar variation 674784 (VCV000674784.1), dbSNP rs76358023, ClinGen allele CA12396376.

ClinVar aggregate classification (germline): Benign (1 of 4 stars; one submission).

Allele frequency attached by ClinVar (database versions not stated): 1000 Genomes Project 0.02576; 1000 Genomes Project 30x 0.02811; TOPMed 0.03064; gnomAD 0.03226 and 0.03342.
gnomAD v4.1: 24,671 of 1,131,738 alleles (2.2%); highest among the groups gnomAD compares: African/African-American, 5.6%; 395 homozygotes.

Submission:

GeneDx
Classification: Benign. Last evaluated: 2018-06-16. Review status: criteria provided, single submitter. Criteria: GeneDx Variant Classification (06012015). Collection method: clinical testing. Allele origin: germline. Affected: yes.
Comment: This variant is considered likely benign or benign based on one or more of the following criteria: it is a conservative change, it occurs at a poorly conserved position in the protein, it is predicted to be benign by multiple in silico algorithms, and/or has population frequency not consistent with disease.